The following is an entry in ClinVar:

ClinVar aggregate classification (germline): Uncertain significance (1 of 4 stars; one submission).

gnomAD v4.1: 189 of 1,539,898 alleles (0.012%); highest among the groups gnomAD compares: Middle Eastern, 0.02%; no homozygotes.

Submission:

CeGaT Center for Human Genetics Tuebingen
Classification: Uncertain significance. Last evaluated: 2025-02-01. Review status: criteria provided, single submitter. Criteria: CeGaT Center For Human Genetics Tuebingen Variant Classification Criteria Version 2. Collection method: clinical testing. Allele origin: germline. Affected: yes. Observed: 1 variant allele.
Comment: NDUFAF8: PM2, BP4

NM_001086521.2(NDUFAF8):c.137T>C (p.Leu46Pro)

Gene: NDUFAF8 (NADH:ubiquinone oxidoreductase complex assembly factor 8; plus strand). Cytogenetic location: 17q25.3.
Variant type: single nucleotide variant.
Coding change: c.137T>C on transcript NM_001086521.2 (MANE Select); coding-DNA position 137, T replaced by C.
Protein change: p.Leu46Pro; replaces leucine 46 with proline.
Molecular consequence: missense variant. On other transcripts: 5 prime UTR variant (1).
Genome position (GRCh38, 1-based): chr17:81,239,620, T>C. VCF-style: chr17-81239620-T-C. GRCh37 (hg19) VCF-style: chr17-79213420-T-C.
Other names: c.137T>C, p.Leu46Pro (NM_001353402.1); c.-287T>C (NM_001353403.1); short protein forms L46P.
Identifiers: ClinVar variation 3770843 (VCV003770843.13).